The following is an entry in ClinVar:

ClinVar aggregate classification (germline): Uncertain significance (1 of 4 stars; one submission).

Conditions:
Hereditary cancer-predisposing syndrome. Also called: Tumor predisposition; Neoplastic Syndromes, Hereditary; Hereditary Cancer Syndrome; Hereditary neoplastic syndrome. Identifiers: Orphanet 140162, MedGen C0027672, MeSH D009386, MONDO:0015356.

Submission:

Ambry Genetics
Classification: Uncertain significance for Hereditary cancer-predisposing syndrome. Last evaluated: 2024-08-31. Review status: criteria provided, single submitter. Criteria: Ambry Variant Classification Scheme 2023. Collection method: clinical testing. Allele origin: germline.
Comment: The p.L248F variant (also known as c.744A>C), located in coding exon 7 of the EPCAM gene, results from an A to C substitution at nucleotide position 744. The leucine at codon 248 is replaced by phenylalanine, an amino acid with highly similar properties. This amino acid position is conserved. In addition, this alteration is predicted to be tolerated by in silico analysis. Based on the available evidence, the clinical significance of this variant remains unclear.

NM_002354.3(EPCAM):c.744A>C (p.Leu248Phe)

Gene: EPCAM (epithelial cell adhesion molecule; plus strand). Cytogenetic location: 2p21.
Variant type: single nucleotide variant.
Coding change: c.744A>C on transcript NM_002354.3 (MANE Select); coding-DNA position 744, A replaced by C.
Protein change: p.Leu248Phe; replaces leucine 248 with phenylalanine.
Molecular consequence: missense variant.
Genome position (GRCh38, 1-based): chr2:47,379,855, A>C. VCF-style: chr2-47379855-A-C. GRCh37 (hg19) VCF-style: chr2-47606994-A-C.
Other names: short protein forms L248F.
Identifiers: ClinVar variation 3509177 (VCV003509177.1).